The following is an entry in ClinVar:

ClinVar aggregate classification (germline): Uncertain significance (1 of 4 stars; one submission).

Conditions:
Neuronal ceroid lipofuscinosis. Also called: Neuronal Ceroid Lipofuscinoses. Identifiers: Orphanet 216, Orphanet 79263, MedGen C0027877, MONDO:0016295. Disease mechanism: loss of function.

Allele frequency attached by ClinVar (database versions not stated): gnomAD exomes below 0.00001.
gnomAD v4.1: 2 of 1,614,000 alleles (0.00012%); highest among the groups gnomAD compares: Admixed American, 0.0017%; no homozygotes.

Submission:

Labcorp Genetics (formerly Invitae), Labcorp
Classification: Uncertain significance for Neuronal ceroid lipofuscinosis. Last evaluated: 2024-10-25. Review status: criteria provided, single submitter. Criteria: Invitae Variant Classification Sherloc (09022015). Collection method: clinical testing. Allele origin: germline.
Comment: This sequence change replaces histidine, which is basic and polar, with leucine, which is neutral and non-polar, at codon 161 of the CLN5 protein (p.His161Leu). This variant is not present in population databases (gnomAD no frequency). This variant has not been reported in the literature in individuals affected with CLN5-related conditions. ClinVar contains an entry for this variant (Variation ID: 2135618). Invitae Evidence Modeling of protein sequence and biophysical properties (such as structural, functional, and spatial information, amino acid conservation, physicochemical variation, residue mobility, and thermodynamic stability) indicates that this missense variant is not expected to disrupt CLN5 protein function with a negative predictive value of 95%. In summary, the available evidence is currently insufficient to determine the role of this variant in disease. Therefore, it has been classified as a Variant of Uncertain Significance.

NM_006493.4(CLN5):c.335A>T (p.His112Leu)

Gene: CLN5 (CLN5 lysosomal BMP synthase; plus strand). Cytogenetic location: 13q22.3.
Variant type: single nucleotide variant.
Coding change: c.335A>T on transcript NM_006493.4 (MANE Select); coding-DNA position 335, A replaced by T.
Protein change: p.His112Leu; replaces histidine 112 with leucine.
Molecular consequence: missense variant.
Genome position (GRCh38, 1-based): chr13:76,995,224, A>T. VCF-style: chr13-76995224-A-T. GRCh37 (hg19) VCF-style: chr13-77569359-A-T.
Other names: c.335A>T, p.His112Leu (NM_001366624.2); short protein forms H112L, H161L.
Identifiers: ClinVar variation 2135618 (VCV002135618.3), dbSNP rs2501136044, ClinGen allele CA388308424.